The following is an entry in ClinVar:

NM_000528.4(MAN2B1):c.2071C>T (p.Gln691Ter)

Gene: MAN2B1 (mannosidase alpha class 2B member 1; minus strand). Cytogenetic location: 19p13.13.
Variant type: single nucleotide variant.
Coding change: c.2071C>T on transcript NM_000528.4 (MANE Select); coding-DNA position 2071, C replaced by T.
Protein change: p.Gln691Ter; replaces glutamine 691 with a stop codon.
Molecular consequence: nonsense.
Genome position (GRCh38, 1-based): chr19:12,650,198, G>A on the plus strand (C>T on the coding strand, the complement: MAN2B1 is on the minus strand). VCF-style: chr19-12650198-G-A. GRCh37 (hg19) VCF-style: chr19-12761012-G-A.
Other names: c.2068C>T, p.Gln690Ter (NM_001173498.2); short protein forms Q690*, Q691*.
Identifiers: ClinVar variation 984115 (VCV000984115.3), dbSNP rs2023809731, ClinGen allele CA404243570.

ClinVar aggregate classification (germline): Likely pathogenic (1 of 4 stars; one submission).

Conditions:
Deficiency of alpha-mannosidase (MANSA). Also called: Mannosidosis, alpha-, types I and II; Alpha-Mannosidosis; LYSOSOMAL ALPHA-D-MANNOSIDASE DEFICIENCY. Identifiers: Orphanet 61, MedGen C0024748, MONDO:0009561, OMIM 248500.

Submission:

Myriad Genetics, Inc.
Classification: Likely pathogenic for Deficiency of alpha-mannosidase. Last evaluated: 2019-12-22. Review status: criteria provided, single submitter. Criteria: Myriad Women's Health Autosomal Recessive and X-Linked Classification Criteria (2019). Collection method: clinical testing. Allele origin: unknown.
Comment: NM_000528.3(MAN2B1):c.2071C>T(Q691*) is expected to be pathogenic in the context of alpha-mannosidosis. This variant is predicted to lead to an abnormal or absent protein product due to the creation of a premature termination codon in MAN2B1, a gene where loss-of-function variants are known to be pathogenic. Please note: this variant was assessed in the context of healthy population screening.